The following is an entry in ClinVar:

NM_003742.4(ABCB11):c.3575C>A (p.Ala1192Glu)

Gene: ABCB11 (ATP binding cassette subfamily B member 11; minus strand). Cytogenetic location: 2q31.1.
Variant type: single nucleotide variant.
Coding change: c.3575C>A on transcript NM_003742.4 (MANE Select); coding-DNA position 3575, C replaced by A.
Protein change: p.Ala1192Glu; replaces alanine 1192 with glutamic acid.
Molecular consequence: missense variant.
Genome position (GRCh38, 1-based): chr2:168,927,199, G>T on the plus strand (C>A on the coding strand, the complement: ABCB11 is on the minus strand). VCF-style: chr2-168927199-G-T. GRCh37 (hg19) VCF-style: chr2-169783709-G-T.
Other names: short protein forms A1192E.
Identifiers: ClinVar variation 1339022 (VCV001339022.2), dbSNP rs2105881962, ClinGen allele CA349119365.

ClinVar aggregate classification (germline): Uncertain significance (1 of 4 stars; one submission).

Conditions:
Progressive familial intrahepatic cholestasis type 2. Identifiers: Orphanet 79304, MedGen C3489789, MONDO:0011156, OMIM 601847.

Submission:

Neuberg Centre For Genomic Medicine, NCGM
Classification: Uncertain significance for Progressive familial intrahepatic cholestasis type 2. Review status: criteria provided, single submitter. Criteria: ACMG Guidelines, 2015. Collection method: clinical testing. Allele origin: germline. Affected: yes.
Comment: The missense variant p.A1192E in ABCB11 (NM_003742.4) has not been reported previously as a pathogenic variant nor as a benign variant, to our knowledge. The p.A1192E variant is novel (not in any individuals) in gnomAD Exomes and is novel (not in any individuals) in 1000 Genomes. The p.A1192E missense variant is predicted to be damaging by both SIFT and PolyPhen2. The nucleotide c.3575 in ABCB11 is predicted conserved by GERP++ and PhyloP across 100 vertebrates. For these reasons, this variant has been classified as Uncertain Significance.